The following is an entry in ClinVar:

ClinVar aggregate classification (germline): Likely benign. Review status: criteria provided, multiple submitters, no conflicts (2 of 4 stars). 4 submissions from 3 submitters: Likely benign (4). Last evaluated 2023-12-01.

Conditions:
Retinitis pigmentosa 39 (RP39). Identifiers: Orphanet 791, MedGen C3151138, MONDO:0013436, OMIM 613809.
Usher syndrome type 2A. Also called: USHER SYNDROME, TYPE IIA; RETINAL DISEASE IN USHER SYNDROME TYPE IIA, MODIFIER OF. Identifiers: Orphanet 231178, Orphanet 886, MedGen C1848634, MONDO:0010169, OMIM 276901.

Allele frequency attached by ClinVar (database versions not stated): gnomAD 0.00001; gnomAD exomes 0.00001; TOPMed 0.00001.
gnomAD v4.1: 10 of 1,613,026 alleles (0.00062%); highest among the groups gnomAD compares: Admixed American, 0.0033%; no homozygotes.

Submissions (4):

Labcorp Genetics (formerly Invitae), Labcorp
Classification: Likely benign. Last evaluated: 2023-12-01. Review status: criteria provided, single submitter. Criteria: Invitae Variant Classification Sherloc (09022015). Collection method: clinical testing. Allele origin: germline.

Genome-Nilou Lab
Classification: Likely benign for Retinitis pigmentosa 39. Last evaluated: 2023-11-04. Review status: criteria provided, single submitter. Criteria: ACMG Guidelines, 2015. Collection method: clinical testing. Allele origin: germline. Affected: no.

Genome-Nilou Lab
Classification: Likely benign for Usher syndrome type 2A. Last evaluated: 2023-11-04. Review status: criteria provided, single submitter. Criteria: ACMG Guidelines, 2015. Collection method: clinical testing. Allele origin: germline. Affected: no.

Laboratory for Molecular Medicine, Mass General Brigham Personalized Medicine
Classification: Likely benign. Last evaluated: 2018-01-25. Review status: criteria provided, single submitter. Criteria: LMM Criteria. Collection method: clinical testing. Allele origin: germline. Observed: 1 variant allele.
Comment: p.Pro1117Pro in exon 17 of USH2A: This variant is not expected to have clinical significance because it does not alter an amino acid residue and is not located within the splice consensus sequence. It has been identified in 1/14932 of Europ ean chromosomes by the Genome Aggregation Database (gnomAD; dbSNP rs946318077). ACMG/AMP Criteria applied: BP4; BP7.

NM_206933.4(USH2A):c.3351A>G (p.Pro1117=)

Genes: USH2A (usherin; minus strand), USH2A-AS1 (USH2A antisense RNA 1; plus strand). Cytogenetic location: 1q41.
Variant type: single nucleotide variant.
Coding change: c.3351A>G on transcript NM_206933.4 (MANE Select); coding-DNA position 3351, A replaced by G.
Protein change: p.Pro1117=; no amino-acid change (proline 1117 retained).
Molecular consequence: synonymous variant.
Genome position (GRCh38, 1-based): chr1:216,200,087, T>C on the plus strand (A>G on the coding strand, the complement: USH2A is on the minus strand). VCF-style: chr1-216200087-T-C. GRCh37 (hg19) VCF-style: chr1-216373429-T-C.
Other names: c.3351A>G, p.Pro1117= (NM_007123.6).
Identifiers: ClinVar variation 506251 (VCV000506251.14), dbSNP rs946318077, ClinGen allele CA37505093.